The following is an entry in ClinVar:

ClinVar aggregate classification (germline): Uncertain significance (1 of 4 stars; one submission).

gnomAD v4.1: 31 of 1,614,064 alleles (0.0019%); highest among the groups gnomAD compares: Non-Finnish European, 0.0025%; no homozygotes.

Submission:

Labcorp Genetics (formerly Invitae), Labcorp
Classification: Uncertain significance. Last evaluated: 2025-12-15. Review status: criteria provided, single submitter. Criteria: Invitae Variant Classification Sherloc (09022015). Collection method: clinical testing. Allele origin: germline.
Comment: This sequence change replaces arginine, which is basic and polar, with cysteine, which is neutral and slightly polar, at codon 370 of the CEP55 protein (p.Arg370Cys). This variant is present in population databases (rs560417580, gnomAD 0.004%). This variant has not been reported in the literature in individuals affected with CEP55-related conditions. An algorithm developed to predict the effect of missense changes on protein structure and function (PolyPhen-2) suggests that this variant is likely to be disruptive. In summary, the available evidence is currently insufficient to determine the role of this variant in disease. Therefore, it has been classified as a Variant of Uncertain Significance.

NM_018131.5(CEP55):c.1108C>T (p.Arg370Cys)

Gene: CEP55 (centrosomal protein 55; plus strand). Cytogenetic location: 10q23.33.
Variant type: single nucleotide variant.
Coding change: c.1108C>T on transcript NM_018131.5 (MANE Select); coding-DNA position 1108, C replaced by T.
Protein change: p.Arg370Cys; replaces arginine 370 with cysteine.
Molecular consequence: missense variant.
Genome position (GRCh38, 1-based): chr10:93,519,724, C>T. VCF-style: chr10-93519724-C-T. GRCh37 (hg19) VCF-style: chr10-95279481-C-T.
Other names: c.1108C>T, p.Arg370Cys (NM_001127182.2); short protein forms R370C.
Identifiers: ClinVar variation 4702575 (VCV004702575.1).